The following is an entry in ClinVar:

NM_000059.4(BRCA2):c.7976+5G>A

Gene: BRCA2 (BRCA2 DNA repair associated; plus strand). Cytogenetic location: 13q13.1.
Variant type: single nucleotide variant.
Coding change: c.7976+5G>A on transcript NM_000059.4 (MANE Select); 5 bases into the intron after coding-DNA position 7976, G replaced by A.
Molecular consequence: intron variant.
Genome position (GRCh38, 1-based): chr13:32,362,698, G>A. VCF-style: chr13-32362698-G-A. GRCh37 (hg19) VCF-style: chr13-32936835-G-A.
Identifiers: ClinVar variation 183947 (VCV000183947.25), dbSNP rs786201180, ClinGen allele CA025367.

ClinVar aggregate classification (germline): Pathogenic/Likely pathogenic. Review status: criteria provided, multiple submitters, no conflicts (2 of 4 stars). 8 submissions from 8 submitters: Pathogenic (2); Likely pathogenic (4). 2 of the submissions do not count toward it. Last evaluated 2025-07-02.

Conditions:
Hereditary cancer-predisposing syndrome. Also called: Tumor predisposition; Hereditary Cancer Syndrome; Hereditary neoplastic syndrome; Neoplastic Syndromes, Hereditary. Identifiers: Orphanet 140162, MedGen C0027672, MeSH D009386, MONDO:0015356.
Hereditary breast ovarian cancer syndrome. Also called: Breast and ovarian cancer; Hereditary breast and ovarian cancer syndrome; Hereditary breast and ovarian cancer; BRCA1- and BRCA2-Associated Hereditary Breast and Ovarian Cancer; Hereditary breast and ovarian cancer syndrome (HBOC); Hereditary breast and/or ovarian cancer syndrome. Identifiers: Orphanet 145, MedGen C0677776, MeSH D061325, MONDO:0003582. Disease mechanism: loss of function.
Breast-ovarian cancer, familial, susceptibility to, 2 (BROVCA2). Also called: BRCA2 Hereditary Breast and Ovarian Cancer. Identifiers: Orphanet 145, MedGen C2675520, MONDO:0012933, OMIM 612555. Disease mechanism: loss of function.

gnomAD v4.1: 1 of 1,614,042 alleles (0.000062%); highest among the groups gnomAD compares: South Asian, 0.0011%; no homozygotes.

Submissions (8):

Labcorp Genetics (formerly Invitae), Labcorp
Classification: Likely pathogenic for Hereditary breast ovarian cancer syndrome. Last evaluated: 2025-07-02. Review status: criteria provided, single submitter. Criteria: Invitae Variant Classification Sherloc (09022015). Collection method: clinical testing. Allele origin: germline.
Comment: This sequence change falls in intron 17 of the BRCA2 gene. It does not directly change the encoded amino acid sequence of the BRCA2 protein. RNA analysis indicates that this variant induces altered splicing and likely results in a shortened protein product. This variant is not present in population databases (gnomAD no frequency). This variant has been observed in individual(s) with breast cancer (PMID: 26187060). This variant is also known as IVS17+5G>A. ClinVar contains an entry for this variant (Variation ID: 183947). Variants that disrupt the consensus splice site are a relatively common cause of aberrant splicing (PMID: 17576681, 9536098). Studies have shown that this variant results in skipping of exon 17, but is expected to preserve the integrity of the reading-frame (PMID: 30174293). This variant disrupts the c.7976+5G nucleotide in the BRCA2 gene. Other variant(s) that disrupt this nucleotide have been determined to be pathogenic (PMID: 29969168). This suggests that this nucleotide is clinically significant, and that variants that disrupt this position are likely to be disease-causing. In summary, the currently available evidence indicates that the variant is pathogenic, but additional data are needed to prove that conclusively. Therefore, this variant has been classified as Likely Pathogenic.

Quest Diagnostics Nichols Institute San Juan Capistrano
Classification: Likely pathogenic. Last evaluated: 2024-05-14. Review status: criteria provided, single submitter. Criteria: Quest Diagnostics criteria. Collection method: clinical testing. Allele origin: unknown.
Comment: The BRCA2 c.7976+5G>A variant has been reported in the published literature in individuals affected with breast cancer (PMID: 26187060 (2015)) and premature ovarian insufficiency (PMID: 36732629 (2023)). It is reported to interfere with normal splicing and cause exon 17 skipping (PMID: 30174293 (2018)). This variant has not been reported in large, multi-ethnic general populations (Genome Aggregation Database). Based on the available information, this variant is classified as likely pathogenic.

Ambry Genetics
Classification: Pathogenic for Hereditary cancer-predisposing syndrome. Last evaluated: 2023-04-25. Review status: criteria provided, single submitter. Criteria: Ambry Variant Classification Scheme 2023. Collection method: clinical testing. Allele origin: germline.
Comment: The c.7976+5G>A intronic pathogenic mutation results from a G to A substitution 5 nucleotides after coding exon 16 in the BRCA2 gene. This alteration has been identified in several Asian cohorts being tested for BRCA1 and BRCA2 mutations (Bhaskaran SP et al. Int. J. Cancer, 2019 Aug;145:962-973; Wong MS et al. Mol. Cell, 2018 09;71:1012-1026.e3; Kwong A et al. J Mol Diagn, 2016 07;18:580-94; Kwong A et al. J. Med. Genet., 2016 Jan;53:15-23). This variant is considered to be rare based on population cohorts in the Genome Aggregation Database (gnomAD). This nucleotide position is well conserved in available vertebrate species. In silico splice site analysis predicts that this alteration will weaken the native splice donor site. RNA studies have demonstrated that this alteration results in abnormal splicing in the set of samples tested (Ambry internal data; Wong MS et al. Mol. Cell, 2018 09;71:1012-1026.e3). A close match alteration at the same nucleotide position, BRCA2 c.7976+5G>T was shown to produce the same splice defect in multiple unrelated carriers tested at different Spanish institutions (Montalban G et al. Hum. Mutat., 2018 Sep;39:1155-1160). Based on the majority of evidence available to date, this alteration is considered a disease-causing mutation.

Women's Health and Genetics/Laboratory Corporation of America, LabCorp
Classification: Likely pathogenic for Hereditary breast ovarian cancer syndrome. Last evaluated: 2022-02-14. Review status: criteria provided, single submitter. Criteria: LabCorp Variant Classification Summary - May 2015. Collection method: clinical testing. Allele origin: germline.
Comment: Variant summary: BRCA2 c.7976+5G>A alters a conserved nucleotide in intron 17, located close to the splice site and therefore could affect mRNA splicing, leading to a significantly altered protein sequence. The 5' splice site of BRCA2 intron 17 has a non-canonical sequence, with a cytosine at the +2 position (CAG/GCAAGT), therefore computational tools were not able to predict the impact of the variant on normal splicing, however a publication reported experimental evidence demonstrating that the variant resulted in complete skipping of exon 17 in a minigene assay (Wong_2018). The skipping of exon 17 is predicted to result in the in-frame deletion of 57 amino acids, which was demonstrated to result in a protein product deficient in HDR activity (PMID: 18451181). The variant was absent in 251100 control chromosomes (gnomAD). The variant, c.7976+5G>A, has been reported in the literature in at least one Chinese individual affected with breast cancer (Kwong_2013, Rebbeck_2018, Bhaskaran_2019). Six other submitters have provided clinical-significance assessments for this variant in ClinVar after 2014, and classified the variant as pathogenic (n=2) / likely pathogenic (n=2) or VUS (n=2). Based on the evidence outlined above, the variant was classified as likely pathogenic.

Color Diagnostics, LLC DBA Color Health
Classification: Likely pathogenic for Hereditary cancer-predisposing syndrome. Last evaluated: 2020-03-26. Review status: criteria provided, single submitter. Criteria: ACMG Guidelines, 2015. Collection method: clinical testing. Allele origin: germline.
Comment: This variant causes a G to A nucleotide substitution at the +5 position of intron 17 of the BRCA2 gene. This variant is also known as IVS17+5G>A in the literature. A minigene splicing assay found that this variant resulted in the skipping of exon 17 (PMID: 30174293). This variant has been observed in an individual at-risk for familial breast and/or ovarian cancer (PMID: 26187060). A different c.7976+5G>T variant has been shown by RNA studies to cause in-frame skipping of exon 17 (PMID: 29969168, 31191615), resulting in a non-functional protein (PMID: 15695382, 18451181). The c.7976+5G>T variant also has been observed in multiple individuals affected with breast and/or ovarian cancer (PMID: 29969168). This variant has not been identified in the general population by the Genome Aggregation Database (gnomAD). Based on the available evidence, this variant is classified as Likely Pathogenic.

Consortium of Investigators of Modifiers of BRCA1/2 (CIMBA), c/o University of Cambridge
Classification: Pathogenic for Breast-ovarian cancer, familial, susceptibility to, 2. Last evaluated: 2015-10-02. Review status: criteria provided, single submitter. Criteria: CIMBA Mutation Classification guidelines May 2016. Collection method: clinical testing. Allele origin: germline.

Counsyl
Classification: Uncertain significance for Breast-ovarian cancer, familial, susceptibility to, 2. Last evaluated: 2018-04-13. Review status: no assertion criteria provided. Collection method: clinical testing. Allele origin: unknown. Not counted in ClinVar's aggregate classification.

Research Molecular Genetics Laboratory, Women's College Hospital, University of Toronto
Classification: Uncertain significance. Last evaluated: 2014-01-31. Review status: flagged submission. Collection method: research. Allele origin: germline. Affected: yes. Study: The Canadian Open Genetics Repository (COGR). Not counted in ClinVar's aggregate classification.
ClinVar note: Reason: Older claim that does not account for recent evidence

Literature cited by the submitters: PubMed 26187060 (cited by 4 submitters); PubMed 17576681 (cited by Labcorp Genetics (formerly Invitae), Labcorp); PubMed 9536098 (cited by Labcorp Genetics (formerly Invitae), Labcorp); PubMed 30174293 (cited by 4 submitters); PubMed 29969168 (cited by Labcorp Genetics (formerly Invitae), Labcorp and Quest Diagnostics Nichols Institute San Juan Capistrano); PubMed 27157322 (cited by 3 submitters); PubMed 24123850 (cited by Quest Diagnostics Nichols Institute San Juan Capistrano and Ambry Genetics); PubMed 36732629 (cited by Quest Diagnostics Nichols Institute San Juan Capistrano); PubMed 30702160 (cited by 3 submitters); PubMed 29446198 (cited by Women's Health and Genetics/Laboratory Corporation of America, LabCorp).